The following is an entry in ClinVar:

ClinVar aggregate classification (germline): Uncertain significance. Review status: criteria provided, multiple submitters, no conflicts (2 of 4 stars). 2 submissions from 2 submitters: Uncertain significance (2). Last evaluated 2025-08-10.

Allele frequency attached by ClinVar (database versions not stated): TOPMed 0.00001; gnomAD exomes 0.00002; gnomAD 0.00004; ExAC 0.00005; 1000 Genomes Project 30x 0.00031; 1000 Genomes Project 0.00040.
gnomAD v4.1: 39 of 1,613,708 alleles (0.0024%); highest among the groups gnomAD compares: South Asian, 0.032%; no homozygotes.

Submissions (2):

Labcorp Genetics (formerly Invitae), Labcorp
Classification: Uncertain significance. Last evaluated: 2025-08-10. Review status: criteria provided, single submitter. Criteria: Invitae Variant Classification Sherloc (09022015). Collection method: clinical testing. Allele origin: germline.
Comment: This sequence change replaces glycine, which is neutral and non-polar, with arginine, which is basic and polar, at codon 586 of the A2ML1 protein (p.Gly586Arg). This variant is present in population databases (rs755267479, gnomAD 0.02%). This variant has not been reported in the literature in individuals affected with A2ML1-related conditions. ClinVar contains an entry for this variant (Variation ID: 3229189). An algorithm developed to predict the effect of missense changes on protein structure and function outputs the following: PolyPhen-2: "Benign". The arginine amino acid residue is found in multiple mammalian species, which suggests that this missense change does not adversely affect protein function. In summary, the available evidence is currently insufficient to determine the role of this variant in disease. Therefore, it has been classified as a Variant of Uncertain Significance.

Ambry Genetics
Classification: Uncertain significance. Last evaluated: 2024-10-11. Review status: criteria provided, single submitter. Criteria: Ambry Variant Classification Scheme 2023. Collection method: clinical testing. Allele origin: germline.

NM_144670.6(A2ML1):c.1756G>A (p.Gly586Arg)

Gene: A2ML1 (alpha-2-macroglobulin like 1; plus strand). Cytogenetic location: 12p13.31.
Variant type: single nucleotide variant.
Coding change: c.1756G>A on transcript NM_144670.6 (MANE Select); coding-DNA position 1756, G replaced by A.
Protein change: p.Gly586Arg; replaces glycine 586 with arginine.
Molecular consequence: missense variant.
Genome position (GRCh38, 1-based): chr12:8,847,621, G>A. VCF-style: chr12-8847621-G-A. GRCh37 (hg19) VCF-style: chr12-9000217-G-A.
Other names: c.283G>A, p.Gly95Arg (NM_001282424.3); short protein forms G586R, G95R.
Identifiers: ClinVar variation 3229189 (VCV003229189.3), dbSNP rs755267479, ClinGen allele CA6435804.
Genomic context (GRCh38, chr12:8,847,621, plus strand): 5'-TTCTCCCCCTCCCAGCAGCTTCCAGGAGCAGAAGTGGAGCTGCAGCTGCAGGCAGCTCCC[G>A]GATCCCTGTGTGCGCTCCGGGCGGTGGATGAGAGTGTCTTACTGCTTAGGCCAGACAGAG-3'
Protein context (NP_653271.3, residues 576-596): EVELQLQAAP[Gly586Arg]SLCALRAVDE